The following is an entry in ClinVar:

NM_000612.6(IGF2):c.78C>G (p.Tyr26Ter)

Genes: IGF2 (insulin like growth factor 2; minus strand), INS-IGF2 (INS-IGF2 readthrough; minus strand). Cytogenetic location: 11p15.5.
Variant type: single nucleotide variant.
Coding change: c.78C>G on transcript NM_000612.6 (MANE Select); coding-DNA position 78, C replaced by G.
Protein change: p.Tyr26Ter; replaces tyrosine 26 with a stop codon.
Molecular consequence: nonsense. On other transcripts: non-coding transcript variant (1).
Genome position (GRCh38, 1-based): chr11:2,135,446, G>C on the plus strand (C>G on the coding strand, the complement: IGF2 is on the minus strand). VCF-style: chr11-2135446-G-C. GRCh37 (hg19) VCF-style: chr11-2156676-G-C.
Other names: c.78C>G, p.Tyr26Ter (NM_001007139.6, NM_001291861.3, NM_001291862.3); c.246C>G, p.Tyr82Ter (NM_001127598.3); short protein forms Y26*, Y82*.
Identifiers: ClinVar variation 253036 (VCV000253036.2), dbSNP rs1064794050, ClinGen allele CA16616844.

ClinVar aggregate classification (germline): Pathogenic. Review status: criteria provided, single submitter (1 of 4 stars). 2 submissions from 2 submitters: Pathogenic (1). 1 of the submissions does not count toward it. Last evaluated 2015-09-05.

Conditions:
Silver-Russell syndrome 1 (SRS1). Also called: Chromosome 7-Related Russell-Silver Syndrome. Identifiers: Orphanet 813, MedGen C5393125, MONDO:0020796, OMIM 180860.

Submissions (2):

GeneDx
Classification: Pathogenic. Last evaluated: 2015-09-05. Review status: criteria provided, single submitter. Criteria: GeneDx Variant Classification (06012015). Collection method: clinical testing. Allele origin: germline. Affected: yes.
Comment: The Y26X nonsense variant in the IGF2 gene has not been reported previously as a pathogenic variantnor as a benign polymorphism, to our knowledge. This variant is predicted to cause loss of normalprotein function either through protein truncation or nonsense-mediated mRNA decay. Y26Xwas not observed in approximately 6500 individuals of European and African Americanancestry in the NHLBI Exome Sequencing Project, indicating it is not a common benign variant inthese populations. We interpret Y26X as a pathogenic variant.

Centre de Recherche Saint Antoine,  Université Pierre et Marie Curie
Classification: Pathogenic for Silver-Russell syndrome 1. Review status: no assertion criteria provided. Collection method: research. Allele origin: paternal. Inheritance: Autosomal dominant inheritance with maternal imprinting. Affected: yes. Study: Genetic disruption of the oncogenic HMGA2-PLAG1-IGF2 pathway causes Silver-Russell Syndrome. Not counted in ClinVar's aggregate classification.